The following is an entry in ClinVar:

NM_001942.4(DSG1):c.3033C>G (p.Ser1011Arg)

Genes: DSG1 (desmoglein 1; plus strand), DSG1-AS1 (DSG1 antisense RNA 1; minus strand). Cytogenetic location: 18q12.1.
Variant type: single nucleotide variant.
Coding change: c.3033C>G on transcript NM_001942.4 (MANE Select); coding-DNA position 3033, C replaced by G.
Protein change: p.Ser1011Arg; replaces serine 1011 with arginine.
Molecular consequence: missense variant.
Genome position (GRCh38, 1-based): chr18:31,355,229, C>G. VCF-style: chr18-31355229-C-G. GRCh37 (hg19) VCF-style: chr18-28935192-C-G.
Other names: short protein forms S1011R.
Identifiers: ClinVar variation 4709521 (VCV004709521.1).

ClinVar aggregate classification (germline): Uncertain significance (1 of 4 stars; one submission).

Submission:

Labcorp Genetics (formerly Invitae), Labcorp
Classification: Uncertain significance. Last evaluated: 2026-01-22. Review status: criteria provided, single submitter. Criteria: Invitae Variant Classification Sherloc (09022015). Collection method: clinical testing. Allele origin: germline.
Comment: This sequence change replaces serine, which is neutral and polar, with arginine, which is basic and polar, at codon 1011 of the DSG1 protein (p.Ser1011Arg). This variant is not present in population databases (gnomAD no frequency). This variant has not been reported in the literature in individuals affected with DSG1-related conditions. An algorithm developed to predict the effect of missense changes on protein structure and function (PolyPhen-2) suggests that this variant is likely to be tolerated. In summary, the available evidence is currently insufficient to determine the role of this variant in disease. Therefore, it has been classified as a Variant of Uncertain Significance.